The following is an entry in ClinVar:

NM_006015.6(ARID1A):c.4792C>T (p.Arg1598Cys)

Gene: ARID1A (AT-rich interaction domain 1A; plus strand). Cytogenetic location: 1p36.11.
Variant type: single nucleotide variant.
Coding change: c.4792C>T on transcript NM_006015.6 (MANE Select); coding-DNA position 4792, C replaced by T.
Protein change: p.Arg1598Cys; replaces arginine 1598 with cysteine.
Molecular consequence: missense variant.
Genome position (GRCh38, 1-based): chr1:26,775,019, C>T. VCF-style: chr1-26775019-C-T. GRCh37 (hg19) VCF-style: chr1-27101510-C-T.
Other names: c.4141C>T, p.Arg1381Cys (NM_139135.4); short protein forms R1381C, R1598C.
Identifiers: ClinVar variation 1028996 (VCV001028996.1), dbSNP rs781689378, ClinGen allele CA707522.

ClinVar aggregate classification (germline): Uncertain significance (1 of 4 stars; one submission).

Conditions:
Intellectual disability, autosomal dominant 14 (CSS2). Also called: COFFIN-SIRIS SYNDROME 2. Identifiers: Orphanet 1465, MedGen C3553247, MONDO:0013819, OMIM 614607.

Allele frequency attached by ClinVar (database versions not stated): gnomAD exomes below 0.00001; TOPMed below 0.00001; gnomAD 0.00001; ExAC 0.00002.
gnomAD v4.1: 7 of 1,597,468 alleles (0.00044%); highest among the groups gnomAD compares: East Asian, 0.0045%; no homozygotes.

Submission:

Baylor Genetics
Classification: Uncertain significance for Intellectual disability, autosomal dominant 14. Last evaluated: 2019-10-01. Review status: criteria provided, single submitter. Criteria: ACMG Guidelines, 2015. Collection method: clinical testing. Allele origin: unknown. Affected: yes.
Comment: This variant was determined to be of uncertain significance according to ACMG Guidelines, 2015 [PMID:25741868].